The following is an entry in ClinVar:

ClinVar aggregate classification (germline): Conflicting classifications of pathogenicity. Review status: criteria provided, conflicting classifications (1 of 4 stars). 6 submissions from 6 submitters: Uncertain significance (5); Likely benign (1). Last evaluated 2025-10-26.

Conditions:
Metaphyseal anadysplasia 2 (MANDP2). Also called: Metaphyseal anadysplasia 2, autosomal recessive. Identifiers: Orphanet 1040, MedGen C2751322, MONDO:0013113, OMIM 613073.

Allele frequency attached by ClinVar (database versions not stated): ESP Exome Variant Server 0.00015; gnomAD 0.00018 and 0.00023; ExAC 0.00023; TOPMed 0.00029; 1000 Genomes Project 30x 0.00031; 1000 Genomes Project 0.00040.
gnomAD v4.1: 350 of 1,612,710 alleles (0.022%); highest among the groups gnomAD compares: Middle Eastern, 2%; 6 homozygotes.

Submissions (6):

Labcorp Genetics (formerly Invitae), Labcorp
Classification: Uncertain significance. Last evaluated: 2025-10-26. Review status: criteria provided, single submitter. Criteria: Invitae Variant Classification Sherloc (09022015). Collection method: clinical testing. Allele origin: germline.
Comment: This sequence change replaces proline, which is neutral and non-polar, with serine, which is neutral and polar, at codon 472 of the MMP9 protein (p.Pro472Ser). This variant is present in population databases (rs148151404, gnomAD 0.08%), and has an allele count higher than expected for a pathogenic variant. This variant has not been reported in the literature in individuals affected with MMP9-related conditions. ClinVar contains an entry for this variant (Variation ID: 283364). Invitae Evidence Modeling of protein sequence and biophysical properties (such as structural, functional, and spatial information, amino acid conservation, physicochemical variation, residue mobility, and thermodynamic stability) indicates that this missense variant is not expected to disrupt MMP9 protein function with a negative predictive value of 80%. In summary, the available evidence is currently insufficient to determine the role of this variant in disease. Therefore, it has been classified as a Variant of Uncertain Significance.

Blueprint Genetics
Classification: Likely benign. Last evaluated: 2024-11-28. Review status: criteria provided, single submitter. Criteria: ACMG Guidelines, 2015. Collection method: clinical testing. Allele origin: germline.

Baylor Genetics
Classification: Uncertain significance for Metaphyseal anadysplasia 2. Last evaluated: 2019-08-26. Review status: criteria provided, single submitter. Criteria: ACMG Guidelines, 2015. Collection method: clinical testing. Allele origin: unknown. Affected: yes.
Comment: This variant was determined to be of uncertain significance according to ACMG Guidelines, 2015 [PMID:25741868].

Eurofins Ntd Llc (ga)
Classification: Uncertain significance. Last evaluated: 2018-03-02. Review status: criteria provided, single submitter. Criteria: EGL ClinVar v180209 classification definitions. Collection method: clinical testing. Allele origin: germline. Observed: 5 variant alleles, 5 heterozygotes.

Illumina Laboratory Services, Illumina
Classification: Uncertain significance for Metaphyseal anadysplasia 2. Last evaluated: 2018-01-13. Review status: criteria provided, single submitter. Criteria: ICSL Variant Classification Criteria 13 December 2019. Collection method: clinical testing. Allele origin: germline.

Breakthrough Genomics
Classification: Uncertain significance. Review status: criteria provided, single submitter. Criteria: ACMG Guidelines, 2015. Collection method: not provided. Allele origin: germline. Inheritance: Autosomal dominant inheritance. Affected: yes.

NM_004994.3(MMP9):c.1414C>T (p.Pro472Ser)

Gene: MMP9 (matrix metallopeptidase 9; plus strand). Cytogenetic location: 20q13.12.
Variant type: single nucleotide variant.
Coding change: c.1414C>T on transcript NM_004994.3 (MANE Select); coding-DNA position 1414, C replaced by T.
Protein change: p.Pro472Ser; replaces proline 472 with serine.
Molecular consequence: missense variant.
Genome position (GRCh38, 1-based): chr20:46,013,338, C>T. VCF-style: chr20-46013338-C-T. GRCh37 (hg19) VCF-style: chr20-44641977-C-T.
Other names: short protein forms P472S.
Identifiers: ClinVar variation 283364 (VCV000283364.17), dbSNP rs148151404, ClinGen allele CA9886738.